The following is an entry in ClinVar:

ClinVar aggregate classification (germline): Pathogenic/Likely pathogenic. Review status: criteria provided, multiple submitters, no conflicts (2 of 4 stars). 2 submissions from 2 submitters: Pathogenic (1); Likely pathogenic (1). Last evaluated 2024-10-30.

Conditions:
Nemaline myopathy 2 (NEM2). Also called: Nemaline myopathy 2, autosomal recessive. Identifiers: MedGen C1850569, MONDO:0009725, OMIM 256030.

Submissions (2):

Natera, Inc.
Classification: Likely pathogenic for Nemaline myopathy type 2. Last evaluated: 2024-10-30. Review status: criteria provided, single submitter. Criteria: Natera Variant Classification Schema (03/2026). Collection method: clinical testing. Allele origin: germline.
Comment: The c.633G>A variant in NEB is a nonsense variant predicted to introduce a stop codon at amino acid 211. This variant is expected to result in nonsense mediated decay, truncation, or a dysfunctional protein product. This variant is rare in the general population with a frequency below the threshold expected for the associated phenotype(s). Given the available evidence, this variant is classified as Likely Pathogenic.

Labcorp Genetics (formerly Invitae), Labcorp
Classification: Pathogenic for Nemaline myopathy 2. Last evaluated: 2019-08-13. Review status: criteria provided, single submitter. Criteria: Invitae Variant Classification Sherloc (09022015). Collection method: clinical testing. Allele origin: germline.
Comment: This sequence change creates a premature translational stop signal (p.Trp211*) in the NEB gene. It is expected to result in an absent or disrupted protein product. This variant is not present in population databases (ExAC no frequency). This variant has not been reported in the literature in individuals with NEB-related conditions. Loss-of-function variants in NEB are known to be pathogenic (PMID: 25205138). For these reasons, this variant has been classified as Pathogenic.

NM_001164508.2(NEB):c.633G>A (p.Trp211Ter)

Gene: NEB (nebulin; minus strand). Cytogenetic location: 2q23.3.
Variant type: single nucleotide variant.
Coding change: c.633G>A on transcript NM_001164508.2 (MANE Select); coding-DNA position 633, G replaced by A.
Protein change: p.Trp211Ter; replaces tryptophan 211 with a stop codon.
Molecular consequence: nonsense.
Genome position (GRCh38, 1-based): chr2:151,723,466, C>T on the plus strand (G>A on the coding strand, the complement: NEB is on the minus strand). VCF-style: chr2-151723466-C-T. GRCh37 (hg19) VCF-style: chr2-152579980-C-T.
Other names: c.633G>A, p.Trp211Ter (NM_001164507.2, NM_001271208.2, NM_004543.5); short protein forms W211*.
Identifiers: ClinVar variation 952491 (VCV000952491.2), dbSNP rs2099780461, ClinGen allele CA348791537.
Genomic context (GRCh38, chr2:151,723,466, plus strand): 5'-GGCAACTCTCCTCAGTTCCGGGCTATCATTATAGGGGTAAAACAAACTTTTGTCTGCTTC[C>T]CAGTCTTCAGTGTACAGTTTCTAAATCAAAAAAGAGTGAAAAGTTAGGAGGAAGTAGGGT-3'